The following is an entry in ClinVar:

ClinVar aggregate classification (germline): Uncertain significance (1 of 4 stars; one submission).

Conditions:
Arterial tortuosity syndrome (ATORS). Identifiers: Orphanet 3342, MedGen C1859726, MONDO:0008818, OMIM 208050.

Allele frequency attached by ClinVar (database versions not stated): ExAC 0.00001; gnomAD 0.00001; gnomAD exomes 0.00002; TOPMed 0.00002.
gnomAD v4.1: 10 of 1,614,118 alleles (0.00062%); highest among the groups gnomAD compares: Admixed American, 0.0067%; no homozygotes.

Submission:

Labcorp Genetics (formerly Invitae), Labcorp
Classification: Uncertain significance for Arterial tortuosity syndrome. Last evaluated: 2023-08-04. Review status: criteria provided, single submitter. Criteria: Invitae Variant Classification Sherloc (09022015). Collection method: clinical testing. Allele origin: germline.
Comment: In summary, the available evidence is currently insufficient to determine the role of this variant in disease. Therefore, it has been classified as a Variant of Uncertain Significance. Advanced modeling of protein sequence and biophysical properties (such as structural, functional, and spatial information, amino acid conservation, physicochemical variation, residue mobility, and thermodynamic stability) performed at Invitae indicates that this missense variant is not expected to disrupt SLC2A10 protein function. This sequence change replaces leucine, which is neutral and non-polar, with isoleucine, which is neutral and non-polar, at codon 276 of the SLC2A10 protein (p.Leu276Ile). This variant is present in population databases (rs760309737, gnomAD 0.01%). ClinVar contains an entry for this variant (Variation ID: 855622). This variant has not been reported in the literature in individuals affected with SLC2A10-related conditions.

NM_030777.4(SLC2A10):c.826C>A (p.Leu276Ile)

Gene: SLC2A10 (solute carrier family 2 member 10; plus strand). Cytogenetic location: 20q13.12.
Variant type: single nucleotide variant.
Coding change: c.826C>A on transcript NM_030777.4 (MANE Select); coding-DNA position 826, C replaced by A.
Protein change: p.Leu276Ile; replaces leucine 276 with isoleucine.
Molecular consequence: missense variant.
Genome position (GRCh38, 1-based): chr20:46,725,862, C>A. VCF-style: chr20-46725862-C-A. GRCh37 (hg19) VCF-style: chr20-45354501-C-A.
Other names: short protein forms L276I.
Identifiers: ClinVar variation 855622 (VCV000855622.9), dbSNP rs760309737, ClinGen allele CA9892053.
Genomic context (GRCh38, chr20:46,725,862, plus strand): 5'-ACCATCTTCAGCTCCGTTGGTTTCCATGGGGGATCCTCAGCCGTGCTGGCCTCTGTGGGG[C>A]TTGGCGCAGTGAAGGTGGCAGCTACCCTGACCGCCATGGGGCTGGTGGACCGTGCAGGCC-3'
Protein context (NP_110404.1, residues 266-286): GSSAVLASVG[Leu276Ile]GAVKVAATLT